The following is an entry in ClinVar:

NM_021930.6(RINT1):c.1996C>T (p.Leu666Phe)

Genes: EFCAB10 (EF-hand calcium binding domain 10; minus strand), RINT1 (RAD50 interactor 1; plus strand). Cytogenetic location: 7q22.3.
Variant type: single nucleotide variant.
Coding change: c.1996C>T on transcript NM_021930.6 (MANE Select); coding-DNA position 1996, C replaced by T.
Protein change: p.Leu666Phe; replaces leucine 666 with phenylalanine.
Molecular consequence: missense variant. On other transcripts: 3 prime UTR variant (3), non-coding transcript variant (1).
Genome position (GRCh38, 1-based): chr7:105,565,386, C>T. VCF-style: chr7-105565386-C-T. GRCh37 (hg19) VCF-style: chr7-105205833-C-T.
Other names: c.*61G>A (NM_001355526.2); c.*163G>A (NM_001355530.2); c.*16G>A (NM_001355531.2); c.1762C>T, p.Leu588Phe (NM_001346599.2); c.973C>T, p.Leu325Phe (NM_001346600.2, NM_001346603.2); c.1072C>T, p.Leu358Phe (NM_001346601.2); short protein forms L325F, L358F, L588F, L666F.
Identifiers: ClinVar variation 3227627 (VCV003227627.1), dbSNP rs2133477412, ClinGen allele CA368814859.

ClinVar aggregate classification (germline): Uncertain significance (1 of 4 stars; one submission).

Submission:

Ambry Genetics
Classification: Uncertain significance. Last evaluated: 2023-11-05. Review status: criteria provided, single submitter. Criteria: Ambry Variant Classification Scheme 2023. Collection method: clinical testing. Allele origin: germline.
Comment: The p.L666F variant (also known as c.1996C>T), located in coding exon 13 of the RINT1 gene, results from a C to T substitution at nucleotide position 1996. The leucine at codon 666 is replaced by phenylalanine, an amino acid with highly similar properties. This amino acid position is conserved. In addition, this alteration is predicted to be deleterious by in silico analysis. Since supporting evidence is limited at this time, the clinical significance of this alteration remains unclear.